The following is an entry in ClinVar:

NM_025137.4(SPG11):c.6632G>A (p.Arg2211His)

Gene: SPG11 (SPG11 vesicle trafficking associated, spatacsin; minus strand). Cytogenetic location: 15q21.1.
Variant type: single nucleotide variant.
Coding change: c.6632G>A on transcript NM_025137.4 (MANE Select); coding-DNA position 6632, G replaced by A.
Protein change: p.Arg2211His; replaces arginine 2211 with histidine.
Molecular consequence: missense variant.
Genome position (GRCh38, 1-based): chr15:44,567,546, C>T on the plus strand (G>A on the coding strand, the complement: SPG11 is on the minus strand). VCF-style: chr15-44567546-C-T. GRCh37 (hg19) VCF-style: chr15-44859744-C-T.
Other names: p.Arg2211His; c.6293G>A, p.Arg2098His (NM_001160227.2); short protein forms R2211H, R2098H.
Identifiers: ClinVar variation 241598 (VCV000241598.64), dbSNP rs144165094, ClinGen allele CA7534056.
Genomic context (GRCh38, chr15:44,567,546, plus strand): 5'-ATCTCCCGGCACATGCTGAAGCACAGGGCAATCATATTGTGCTTTTCACTGTCTCCAGGA[C>T]GGCAGCGTTTGATGTAGTCCAGCAGGGCTGTTTTCAGGGTACCACTCTGCCCAGAATAAA-3'
Protein context (NP_079413.3, residues 2201-2221): TALLDYIKRC[Arg2211His]PGDSEKHNMI

ClinVar aggregate classification (germline): Conflicting classifications of pathogenicity. Review status: criteria provided, conflicting classifications (1 of 4 stars). 8 submissions from 8 submitters: Uncertain significance (1); Likely benign (6). 1 of the submissions does not count toward it. Last evaluated 2026-04-01.

Conditions:
Inborn genetic diseases. Identifiers: MedGen C0950123, MeSH D030342.
SPG11-related disorder. Also called: SPG11-related condition.
Hereditary spastic paraplegia 11. Also called: SPASTIC PARAPLEGIA, AUTOSOMAL RECESSIVE, COMPLICATED, WITH THIN CORPUS CALLOSUM; SPASTIC PARAPLEGIA, AUTOSOMAL RECESSIVE, WITH MENTAL IMPAIRMENT AND THIN CORPUS CALLOSUM; Spastic Paraplegia 11; Nakamura Osame syndrome; Autosomal recessive hereditary spastic paraplegia, mental impairment, and thin corpus callosum; Spastic paraplegia, mental retardation and thin corpus callosum. Identifiers: Orphanet 2822, MedGen C1858479, MONDO:0011445, OMIM 604360.

Allele frequency attached by ClinVar (database versions not stated): gnomAD 0.00045; ExAC 0.00082; gnomAD exomes 0.00082 and 0.00091; TOPMed 0.00092; ESP Exome Variant Server 0.00115.
gnomAD v4.1: 1,492 of 1,613,920 alleles (0.092%); highest among the groups gnomAD compares: Middle Eastern, 0.099%; no homozygotes.

Submissions (8):

CeGaT Center for Human Genetics Tuebingen
Classification: Likely benign. Last evaluated: 2026-04-01. Review status: criteria provided, single submitter. Criteria: CeGaT Center For Human Genetics Tuebingen Variant Classification Criteria Version 2. Collection method: clinical testing. Allele origin: germline. Affected: yes. Observed: 9 variant alleles.
Comment: SPG11: BP4

Labcorp Genetics (formerly Invitae), Labcorp
Classification: Likely benign for Hereditary spastic paraplegia 11. Last evaluated: 2026-01-31. Review status: criteria provided, single submitter. Criteria: Invitae Variant Classification Sherloc (09022015). Collection method: clinical testing. Allele origin: germline.

Mayo Clinic Laboratories, Mayo Clinic
Classification: Likely benign. Last evaluated: 2025-12-05. Review status: criteria provided, single submitter. Criteria: ACMG Guidelines, 2015. Collection method: clinical testing. Allele origin: germline. Observed: 5 variant alleles.
Comment: BS1, BP4_moderate

Blueprint Genetics
Classification: Likely benign. Last evaluated: 2024-11-26. Review status: criteria provided, single submitter. Criteria: ACMG Guidelines, 2015. Collection method: clinical testing. Allele origin: germline.

GeneDx
Classification: Likely benign. Last evaluated: 2021-02-18. Review status: criteria provided, single submitter. Criteria: GeneDx Variant Classification Process June 2021. Collection method: clinical testing. Allele origin: germline. Affected: yes.

Ambry Genetics
Classification: Likely benign for Inborn genetic diseases. Last evaluated: 2019-09-06. Review status: criteria provided, single submitter. Criteria: Ambry Variant Classification Scheme 2023. Collection method: clinical testing. Allele origin: germline.

Illumina Laboratory Services, Illumina
Classification: Uncertain significance for Hereditary spastic paraplegia 11. Last evaluated: 2018-01-13. Review status: criteria provided, single submitter. Criteria: ICSL Variant Classification Criteria 13 December 2019. Collection method: clinical testing. Allele origin: germline.

PreventionGenetics, part of Exact Sciences
Classification: Likely benign for SPG11-related condition. Last evaluated: 2023-03-01. Review status: no assertion criteria provided. Collection method: clinical testing. Allele origin: germline. Not counted in ClinVar's aggregate classification.
Comment: This variant is classified as likely benign based on ACMG/AMP sequence variant interpretation guidelines (Richards et al. 2015 PMID: 25741868, with internal and published modifications).